The following is an entry in ClinVar:

ClinVar aggregate classification (germline): Conflicting classifications of pathogenicity. Review status: criteria provided, conflicting classifications (1 of 4 stars). 2 submissions from 2 submitters: Uncertain significance (1); Likely benign (1). Last evaluated 2024-09-01.

Submissions (2):

CeGaT Center for Human Genetics Tuebingen
Classification: Likely benign. Last evaluated: 2024-09-01. Review status: criteria provided, single submitter. Criteria: CeGaT Center For Human Genetics Tuebingen Variant Classification Criteria Version 2. Collection method: clinical testing. Allele origin: germline. Affected: yes. Observed: 1 variant allele.
Comment: SORD: PP2, BS2

Blueprint Genetics
Classification: Uncertain significance. Last evaluated: 2024-08-01. Review status: criteria provided, single submitter. Criteria: ACMG Guidelines, 2015. Collection method: clinical testing. Allele origin: germline.

NM_003104.6(SORD):c.191A>G (p.Lys64Arg)

Gene: SORD (sorbitol dehydrogenase; plus strand). Cytogenetic location: 15q21.1.
Variant type: single nucleotide variant.
Coding change: c.191A>G on transcript NM_003104.6 (MANE Select); coding-DNA position 191, A replaced by G.
Protein change: p.Lys64Arg; replaces lysine 64 with arginine.
Molecular consequence: missense variant. On other transcripts: non-coding transcript variant (1).
Genome position (GRCh38, 1-based): chr15:45,043,347, A>G. VCF-style: chr15-45043347-A-G. GRCh37 (hg19) VCF-style: chr15-45335545-A-G.
Other names: short protein forms K64R.
Identifiers: ClinVar variation 3388521 (VCV003388521.15).